The following continues an entry in ClinVar:

NM_024675.4(PALB2):c.3113G>A (p.Trp1038Ter)

Gene: PALB2. ClinVar aggregate classification (germline): Pathogenic. Pathogenic (1).

Submissions 10 to 22 of 43:

Variantyx, Inc.
Classification: Pathogenic for autosomal dominant PALB2-related cancer predisposition. Last evaluated: 2025-04-30. Review status: criteria provided, single submitter. Criteria: Variantyx Assertion Criteria 2022. Collection method: clinical testing. Allele origin: germline. Inheritance: Autosomal dominant inheritance. Affected: yes. Not counted in ClinVar's aggregate classification.
Comment: This is a nonsense variant in the PALB2 gene (OMIM: 610355). Pathogenic variants in this gene have been associated with autosomal dominant PALB2-related cancer predisposition. This variant introduces a premature termination codon in exon 10 out of 13 and is expected to result in loss of function, which is a known disease mechanism for PALB2 in theis disorder (PMID: 21285249 ) (PVS1). Independently conducted functional studies have demonstrated a damaging effect on protein function or splicing (PMID:21285249, 23448497, 31757951) (PS3). The cumulative risk for carrier of this variant was estimated as 91% by age 70 with a median age of onset of 42 years old reported in an Australian population [PMID 23471749]. The frequency of this variant in affected individuals is significantly increased compared to controls (PMID: 27595995) (PS4). It has a 0.0278% maximum allele frequency in non-founder control populations. Based on the current evidence, this variant is classified as pathogenic for autosomal dominant PALB2-related cancer predisposition.

Color Diagnostics, LLC DBA Color Health
Classification: Pathogenic for Hereditary cancer-predisposing syndrome. Last evaluated: 2025-01-21. Review status: criteria provided, single submitter. Criteria: ACMG Guidelines, 2015. Collection method: clinical testing. Allele origin: germline. Not counted in ClinVar's aggregate classification.
Comment: This variant causes a nonsense mutation in exon 10 and is also predicted to disrupt splicing at the intron 10 splice donor site in the PALB2 gene. RNA studies have reported that this variant causes splicing defects resulting in an in-frame deletion of exon 10 or exons 9 and 10, impacting the WD40 domain of PALB2, or an out-of-frame transcript due to the use of a cryptic donor site within exon 10 that results in a premature translational stop signal. Normally spliced transcript from the mutant allele has a nonsense mutation due to the coding sequence change (PMID: 21285249, 23448497, 31843900). This variant has been observed in over a dozen individuals affected with early-onset breast cancer with positive history of breast and other cancers (PMID: 17200668, 21182766, 21285249, 22241545, 23471749, 25225577, 28864920; DOI: 10.1016/j.gimo.2023.100849), an individual affected with familial pancreatic cancer (PMID: 25356972), and in two individuals affected with ovarian cancer and two unaffected individuals (PMID: 26315354). This variant has been detected in a breast cancer case-control meta-analysis in 31/60466 cases and 6/53461 unaffected individuals with an estimated odds ratio of 4.57 (95% CI 1.906 to 10.955) (PMID: 33471991; Leiden Open Variation Database DB-ID PALB2_010150). This variant has been shown to segregate with breast cancer in families (PMID: 21182766, 26534844). This variant has been identified in 17/282756 chromosomes in the general population by the Genome Aggregation Database (gnomAD), predominantly in non-Finnish Europeans and also in African-Americans. Loss of PALB2 function is a known mechanism of disease. Based on the available evidence, this variant is classified as Pathogenic.

NHS Central & South Genomic Laboratory Hub
Classification: Pathogenic for Inherited breast cancer and ovarian cancer. Last evaluated: 2024-11-12. Review status: criteria provided, single submitter. Criteria: ACMG Guidelines, 2015. Collection method: clinical testing. Allele origin: germline. Affected: yes. Not counted in ClinVar's aggregate classification.

Blueprint Genetics
Classification: Pathogenic for PALB2-related disorders. Last evaluated: 2024-07-30. Review status: criteria provided, single submitter. Criteria: ACMG Guidelines, 2015. Collection method: clinical testing. Allele origin: germline. Affected: yes. Observed: 4 variant alleles. Not counted in ClinVar's aggregate classification.

Mayo Clinic Laboratories, Mayo Clinic
Classification: Pathogenic. Last evaluated: 2024-07-23. Review status: criteria provided, single submitter. Criteria: ACMG Guidelines, 2015. Collection method: clinical testing. Allele origin: germline. Observed: 1 variant allele. Not counted in ClinVar's aggregate classification.
Comment: PM5_supporting, PS4, PVS1

Institute for Genomic Medicine (IGM) Clinical Laboratory, Nationwide Children's Hospital
Classification: Pathogenic for PALB2-related cancer predisposition. Last evaluated: 2024-06-27. Review status: criteria provided, single submitter. Criteria: ACMG Guidelines, 2015. Collection method: clinical testing. Allele origin: germline. Not counted in ClinVar's aggregate classification.
Comment: This variant is predicted to result in loss of function through nonsense-mediated decay of the encoded transcript or premature truncation of the encoded protein in a gene in which loss of function is a known mechanism of disease (ACMG/AMP: PVS1). Well-established functional studies have demonstrated this variant to have a damaging effect on protein function or splicing (ACMG/AMP: PS3; PMIDs:21285249, 23448497, 31757951). This variant has been reported at an elevated frequency in affected individuals/in multiple affected individuals in the literature (ACMG/AMP: PS4; PMIDs:17200668, 21182766, 21285249, 23471749, 27595995). This variant has been shown to segregate with disease in multiple affected family members (ACMG/AMP: PP1; PMIDs:17200668, 23471749).

Genomics and Molecular Medicine Service, East Genomic Laboratory Hub, NHS Genomic Medicine Service
Classification: Pathogenic for Inherited breast cancer and ovarian cancer. Last evaluated: 2024-05-14. Review status: criteria provided, single submitter. Criteria: ACGS Best Practice Guidelines for Variant Classification in Rare Disease 2020. Collection method: clinical testing. Allele origin: germline. Affected: yes. Not counted in ClinVar's aggregate classification.
Comment: PVS1,PS4

Genomics and Molecular Medicine Service, East Genomic Laboratory Hub, NHS Genomic Medicine Service
Classification: Pathogenic for Inherited ovarian cancer (without breast cancer). Last evaluated: 2024-05-03. Review status: criteria provided, single submitter. Criteria: ACGS Best Practice Guidelines for Variant Classification in Rare Disease 2020. Collection method: clinical testing. Allele origin: germline. Affected: yes. Not counted in ClinVar's aggregate classification.
Comment: the same text as in the submission from Genomics and Molecular Medicine Service, East Genomic Laboratory Hub, NHS Genomic Medicine Service above.

Cambridge Genomics Laboratory, East Genomic Laboratory Hub, NHS Genomic Medicine Service
Classification: Pathogenic for NICE approved PARP inhibitor treatment. Last evaluated: 2024-04-30. Review status: criteria provided, single submitter. Criteria: ACGS Best Practice Guidelines for Variant Classification in Rare Disease 2020. Collection method: clinical testing. Allele origin: germline. Affected: yes. Not counted in ClinVar's aggregate classification.
Comment: the same text as in the submission from Genomics and Molecular Medicine Service, East Genomic Laboratory Hub, NHS Genomic Medicine Service above.

Baylor Genetics
Classification: Pathogenic for Familial cancer of breast. Last evaluated: 2024-03-29. Review status: criteria provided, single submitter. Criteria: ACMG Guidelines, 2015. Collection method: clinical testing. Allele origin: unknown. Not counted in ClinVar's aggregate classification.

Fulgent Genetics
Classification: Pathogenic for Fanconi anemia complementation group N; Pancreatic cancer, susceptibility to, 3; Breast-ovarian cancer, familial, susceptibility to, 5. Last evaluated: 2024-01-31. Review status: criteria provided, single submitter. Criteria: ACMG Guidelines, 2015. Collection method: clinical testing. Allele origin: germline. Not counted in ClinVar's aggregate classification.

Quest Diagnostics Nichols Institute San Juan Capistrano
Classification: Pathogenic. Last evaluated: 2024-01-09. Review status: criteria provided, single submitter. Criteria: Quest Diagnostics criteria. Collection method: clinical testing. Allele origin: unknown. Not counted in ClinVar's aggregate classification.
Comment: The PALB2 c.3113G>A (p.Trp1038*) variant causes the premature termination of PALB2 protein synthesis. This variant has been reported in the published literature in individuals with breast cancer (PMID: 33758026 (2022), 26283626 (2015), 25225577 (2014), 24206657 (2013), 21409391 (2011)), prostate cancer (PMID: 32853339 (2021), 27433846 (2016)), and pancreatic cancer (PMID: 25356972 (2015), 19264984 (2009)). Additionally, splicing studies have shown that this variant produces three alternate transcripts which either result in premature termination of protein synthesis or deletion of exon 10 (PMID: 23471749 (2013) and 21285249 (2011)). The frequency of this variant in the general population, 0.00012 (3/24968 chromosomes (Genome Aggregation Database)), is consistent with pathogenicity. Based on the available information, this variant is classified as pathogenic.

KCCC/NGS Laboratory, Kuwait Cancer Control Center
Classification: Pathogenic for Breast-ovarian cancer, familial, susceptibility to, 5. Last evaluated: 2023-11-13. Review status: criteria provided, single submitter. Criteria: ACMG Guidelines, 2015. Collection method: clinical testing. Allele origin: germline. Inheritance: Autosomal dominant inheritance. Affected: yes. Observed: 1 heterozygote. Not counted in ClinVar's aggregate classification.
Comment: A known pathogenic mutation was detected in the PALB2 gene (c.3113G>A).This sequence change creates a premature translational stop signal (p.Trp1038*) in the PALB2 gene. It is expected to result in an absent or disrupted protein product. Loss-of-function variants in PALB2 are known to be pathogenic (PMID: 17200668, 17200671, 17200672, 24136930, 25099575). This variant is present in population databases (rs180177132, gnomAD 0.01%). This premature translational stop signal has been observed in individual(s) with breast cancer (PMID: 21165770, 17200668, 21409391, 23471749, 18302019, 19264984, 22241545, 26283626, 24206657, 25099575, 19763819, 26250988, 23787919, 23448497, 26786923, 27621404, 25575445, 28158555, 32081490, 32581362, 25525159, 25225577, 24415441, 23935381, 21932393, 24870022, 20346647, 24556926, 24136930, 24061862, 26534844, 25356972, 17200671, 21182766, 21285249, 26787237, 27547810, 27595995, 28019080, 28135136, 27099641, 26985847, 27296296, 27433846, 26681312, 26315354, 28864920, 28779002, 29431189, 29909963, 30665703, 29961768, 30322717, 31090900, 31757951, 31263054, 29625052, 26689913, 32426482, 31447099, 32832836, 32338768) . It has also been observed to segregate with disease in related individuals. ClinVar contains an entry for this variant (Variation ID: 126711). Published functional studies demonstrate a damaging effect, abnormal cellular localization, diminished homology repair efficiency, weak protein expression (PMID: 21285249, 23448497). For these reasons, this variant has been classified as Pathogenic.